The following is an entry in ClinVar:

ClinVar aggregate classification (germline): Uncertain significance. Review status: criteria provided, multiple submitters, no conflicts (2 of 4 stars). 3 submissions from 3 submitters: Uncertain significance (3). Last evaluated 2025-12-08.

Conditions:
Brugada syndrome 4 (BRGDA4). Identifiers: Orphanet 130, MedGen C2678477, MONDO:0012743, OMIM 611876.
Cardiovascular phenotype. Identifiers: MedGen CN230736.

Allele frequency attached by ClinVar (database versions not stated): gnomAD exomes below 0.00001; TOPMed below 0.00001; ExAC 0.00001; ESP Exome Variant Server 0.00008.
gnomAD v4.1: 4 of 1,612,884 alleles (0.00025%); highest among the groups gnomAD compares: Non-Finnish European, 0.00025%; no homozygotes.

Submissions (3):

Labcorp Genetics (formerly Invitae), Labcorp
Classification: Uncertain significance for Brugada syndrome 4. Last evaluated: 2025-12-08. Review status: criteria provided, single submitter. Criteria: Invitae Variant Classification Sherloc (09022015). Collection method: clinical testing. Allele origin: germline.
Comment: This sequence change replaces proline, which is neutral and non-polar, with leucine, which is neutral and non-polar, at codon 219 of the CACNB2 protein (p.Pro219Leu). This variant is present in population databases (rs375425461, gnomAD 0.007%). This variant has not been reported in the literature in individuals affected with CACNB2-related conditions. ClinVar contains an entry for this variant (Variation ID: 519218). Invitae Evidence Modeling of protein sequence and biophysical properties (such as structural, functional, and spatial information, amino acid conservation, physicochemical variation, residue mobility, and thermodynamic stability) indicates that this missense variant is expected to disrupt CACNB2 protein function with a positive predictive value of 80%. In summary, the available evidence is currently insufficient to determine the role of this variant in disease. Therefore, it has been classified as a Variant of Uncertain Significance.

Ambry Genetics
Classification: Uncertain significance for Cardiovascular phenotype. Last evaluated: 2023-12-17. Review status: criteria provided, single submitter. Criteria: Ambry Variant Classification Scheme 2023. Collection method: clinical testing. Allele origin: germline.

Fulgent Genetics
Classification: Uncertain significance for Brugada syndrome 4. Last evaluated: 2021-10-25. Review status: criteria provided, single submitter. Criteria: ACMG Guidelines, 2015. Collection method: clinical testing. Allele origin: unknown.

NM_201596.3(CACNB2):c.818C>T (p.Pro273Leu)

Gene: CACNB2 (calcium voltage-gated channel auxiliary subunit beta 2; plus strand). Cytogenetic location: 10p12.31.
Variant type: single nucleotide variant.
Coding change: c.818C>T on transcript NM_201596.3 (MANE Select); coding-DNA position 818, C replaced by T.
Protein change: p.Pro273Leu; replaces proline 273 with leucine.
Molecular consequence: missense variant.
Genome position (GRCh38, 1-based): chr10:18,518,349, C>T. VCF-style: chr10-18518349-C-T. GRCh37 (hg19) VCF-style: chr10-18807278-C-T.
Other names: c.653C>T, p.Pro218Leu (NM_000724.4); c.620C>T, p.Pro207Leu (NM_001167945.2); c.539C>T, p.Pro180Leu (NM_001330060.2); c.674C>T, p.Pro225Leu (NM_201570.3); c.734C>T, p.Pro245Leu (NM_201571.4); c.662C>T, p.Pro221Leu (NM_201572.4); c.656C>T, p.Pro219Leu (NM_201590.3); c.704C>T, p.Pro235Leu (NM_201593.3); and 1 more; short protein forms P219L, P273L, P180L, P207L, P221L, P235L, P245L, P218L.
Identifiers: ClinVar variation 519218 (VCV000519218.8), dbSNP rs375425461, ClinGen allele CA5429794.